The following is an entry in ClinVar:

ClinVar aggregate classification (germline): Uncertain significance (1 of 4 stars; one submission).

Submission:

Labcorp Genetics (formerly Invitae), Labcorp
Classification: Uncertain significance. Last evaluated: 2024-07-08. Review status: criteria provided, single submitter. Criteria: Invitae Variant Classification Sherloc (09022015). Collection method: clinical testing. Allele origin: germline.
Comment: This sequence change replaces phenylalanine, which is neutral and non-polar, with serine, which is neutral and polar, at codon 1383 of the ATR protein (p.Phe1383Ser). This variant is not present in population databases (gnomAD no frequency). This variant has not been reported in the literature in individuals affected with ATR-related conditions. An algorithm developed to predict the effect of missense changes on protein structure and function (PolyPhen-2) suggests that this variant is likely to be disruptive. In summary, the available evidence is currently insufficient to determine the role of this variant in disease. Therefore, it has been classified as a Variant of Uncertain Significance.

NM_001184.4(ATR):c.4148T>C (p.Phe1383Ser)

Gene: ATR (ATR checkpoint kinase; minus strand). Cytogenetic location: 3q23.
Variant type: single nucleotide variant.
Coding change: c.4148T>C on transcript NM_001184.4 (MANE Select); coding-DNA position 4148, T replaced by C.
Protein change: p.Phe1383Ser; replaces phenylalanine 1383 with serine.
Molecular consequence: missense variant.
Genome position (GRCh38, 1-based): chr3:142,523,997, A>G on the plus strand (T>C on the coding strand, the complement: ATR is on the minus strand). VCF-style: chr3-142523997-A-G. GRCh37 (hg19) VCF-style: chr3-142242839-A-G.
Other names: c.3956T>C, p.Phe1319Ser (NM_001354579.2); short protein forms F1319S, F1383S.
Identifiers: ClinVar variation 3714228 (VCV003714228.2).
Genomic context (GRCh38, chr3:142,523,997, plus strand): 5'-TATAAACCTCAATAGGACAGAGAACTCTTTTGTCATTCCAAATTTCCACTACTTACCACA[A>G]ATGTAAAATCTTTTCCTTGAGTTTCAGTTGTTGAGAAATCTAATCGACCTGGATCTATCG-3'
Protein context (NP_001175.2, residues 1373-1393): TTETQGKDFT[Phe1383Ser]VTGVEDSSFA